The following is an entry in ClinVar:

NM_000303.3(PMM2):c.303C>G (p.Asn101Lys)

Gene: PMM2 (phosphomannomutase 2; plus strand). Cytogenetic location: 16p13.2.
Variant type: single nucleotide variant.
Coding change: c.303C>G on transcript NM_000303.3 (MANE Select); coding-DNA position 303, C replaced by G.
Protein change: p.Asn101Lys; replaces asparagine 101 with lysine.
Molecular consequence: missense variant.
Genome position (GRCh38, 1-based): chr16:8,806,363, C>G. VCF-style: chr16-8806363-C-G. GRCh37 (hg19) VCF-style: chr16-8900220-C-G.
Other names: short protein forms N101K.
Identifiers: ClinVar variation 2137776 (VCV002137776.4), dbSNP rs769839273, ClinGen allele CA394696224.
Genomic context (GRCh38, chr16:8,806,363, plus strand): 5'-TTTCTTCATCTAGAATATTCAAAGTCATCTGGGTGAGGCCCTAATCCAAGATTTAATCAA[C>G]TACTGTCTGAGCTACATTGCGAAAATTAAACTCCCGAAGAAGAGGTGGGTTTGCTTTTAA-3'
Protein context (NP_000294.1, residues 91-111): LGEALIQDLI[Asn101Lys]YCLSYIAKIK

ClinVar aggregate classification (germline): Pathogenic (1 of 4 stars; one submission).

Conditions:
PMM2-congenital disorder of glycosylation. Also called: JAEKEN SYNDROME; PHOSPHOMANNOMUTASE 2 DEFICIENCY; CARBOHYDRATE-DEFICIENT GLYCOPROTEIN SYNDROME, TYPE Ia; Congenital disorder of glycosylation, type Ia; CDG Ia; PMM2-CDG. Identifiers: Orphanet 79318, MedGen C0349653, MONDO:0008907, OMIM 212065.

gnomAD v4.1: 2 of 1,613,424 alleles (0.00012%); highest among the groups gnomAD compares: Non-Finnish European, 0.00017%; no homozygotes.

Submission:

Labcorp Genetics (formerly Invitae), Labcorp
Classification: Pathogenic for PMM2-congenital disorder of glycosylation. Last evaluated: 2023-03-27. Review status: criteria provided, single submitter. Criteria: Invitae Variant Classification Sherloc (09022015). Collection method: clinical testing. Allele origin: germline.
Comment: This variant is not present in population databases (gnomAD no frequency). For these reasons, this variant has been classified as Pathogenic. Advanced modeling of protein sequence and biophysical properties (such as structural, functional, and spatial information, amino acid conservation, physicochemical variation, residue mobility, and thermodynamic stability) performed at Invitae indicates that this missense variant is not expected to disrupt PMM2 protein function. ClinVar contains an entry for this variant (Variation ID: 2137776). This missense change has been observed in individual(s) with congenital disorder of glycosylation type 1a (PMID: 9497260; Invitae). In at least one individual the data is consistent with being in trans (on the opposite chromosome) from a pathogenic variant. This sequence change replaces asparagine, which is neutral and polar, with lysine, which is basic and polar, at codon 101 of the PMM2 protein (p.Asn101Lys).

Literature cited by the submitters: PubMed 9497260.